The following is an entry in ClinVar:

ClinVar aggregate classification (germline): Conflicting classifications of pathogenicity. Review status: criteria provided, conflicting classifications (1 of 4 stars). 3 submissions from 3 submitters: Uncertain significance (1); Benign (1). 1 of the submissions does not count toward it. Last evaluated 2024-10-24.

Conditions:
SOD1-related disorder. Also called: SOD1-related condition.
Amyotrophic lateral sclerosis type 1 (ALS1). Also called: AMYOTROPHIC LATERAL SCLEROSIS 1, FAMILIAL. Identifiers: Orphanet 803, MedGen C1862939, MONDO:0007103, OMIM 105400.

Allele frequency attached by ClinVar (database versions not stated): gnomAD exomes 0.00001 and 0.00003; ExAC 0.00006; gnomAD 0.00019 and 0.00022; TOPMed 0.00021; ESP Exome Variant Server 0.00023.
gnomAD v4.1: 50 of 1,597,508 alleles (0.0031%); highest among the groups gnomAD compares: African/African-American, 0.062%; no homozygotes.

Submissions (3):

Labcorp Genetics (formerly Invitae), Labcorp
Classification: Uncertain significance for Amyotrophic lateral sclerosis type 1. Last evaluated: 2024-10-24. Review status: criteria provided, single submitter. Criteria: Invitae Variant Classification Sherloc (09022015). Collection method: clinical testing. Allele origin: germline.
Comment: This sequence change falls in intron 3 of the SOD1 gene. It does not directly change the encoded amino acid sequence of the SOD1 protein. It affects a nucleotide within the consensus splice site. This variant is present in population databases (rs374610141, gnomAD 0.06%). This variant has not been reported in the literature in individuals affected with SOD1-related conditions. ClinVar contains an entry for this variant (Variation ID: 995270). Variants that disrupt the consensus splice site are a relatively common cause of aberrant splicing (PMID: 17576681, 9536098). Algorithms developed to predict the effect of sequence changes on RNA splicing suggest that this variant is not likely to affect RNA splicing. In summary, the available evidence is currently insufficient to determine the role of this variant in disease. Therefore, it has been classified as a Variant of Uncertain Significance.

Athena Diagnostics
Classification: Benign. Last evaluated: 2020-08-05. Review status: criteria provided, single submitter. Criteria: Athena Diagnostics Criteria. Collection method: clinical testing. Allele origin: unknown.

PreventionGenetics, part of Exact Sciences
Classification: Likely benign for SOD1-related condition. Last evaluated: 2024-09-04. Review status: no assertion criteria provided. Collection method: clinical testing. Allele origin: germline. Not counted in ClinVar's aggregate classification.
Comment: This variant is classified as likely benign based on ACMG/AMP sequence variant interpretation guidelines (Richards et al. 2015 PMID: 25741868, with internal and published modifications).

Literature cited by the submitters: PubMed 17576681 (cited by Labcorp Genetics (formerly Invitae), Labcorp); PubMed 9536098 (cited by Labcorp Genetics (formerly Invitae), Labcorp).

NM_000454.5(SOD1):c.239+6A>C

Gene: SOD1 (superoxide dismutase 1; plus strand). Cytogenetic location: 21q22.11.
Variant type: single nucleotide variant.
Coding change: c.239+6A>C on transcript NM_000454.5 (MANE Select); 6 bases into the intron after coding-DNA position 239, A replaced by C.
Molecular consequence: intron variant.
Genome position (GRCh38, 1-based): chr21:31,666,524, A>C. VCF-style: chr21-31666524-A-C. GRCh37 (hg19) VCF-style: chr21-33038837-A-C.
Identifiers: ClinVar variation 995270 (VCV000995270.6), dbSNP rs374610141, ClinGen allele CA9998924.
Genomic context (GRCh38, chr21:31,666,524, plus strand): 5'-GTCCTCACTTTAATCCTCTATCCAGAAAACACGGTGGGCCAAAGGATGAAGAGAGGTAAC[A>C]AGATGCTTAACTCTTGTAATAATGGCGATAGCTTTCTGGAGTTCATATGGTATACTACTT-3'